The following is an entry in ClinVar:

ClinVar aggregate classification (germline): Uncertain significance (1 of 4 stars; one submission).

Submission:

GeneDx
Classification: Uncertain significance. Last evaluated: 2019-10-24. Review status: criteria provided, single submitter. Criteria: GeneDx Variant Classification Process June 2021. Collection method: clinical testing. Allele origin: germline. Affected: yes.
Comment: Not observed at a significant frequency in large population cohorts (Lek et al., 2016); In silico analysis, which includes protein predictors and evolutionary conservation, supports a deleterious effect; Has not been previously published as pathogenic or benign to our knowledge

NM_003737.4(DCHS1):c.5513C>A (p.Thr1838Lys)

Gene: DCHS1 (dachsous cadherin-related 1; minus strand). Cytogenetic location: 11p15.4.
Variant type: single nucleotide variant.
Coding change: c.5513C>A on transcript NM_003737.4 (MANE Select); coding-DNA position 5513, C replaced by A.
Protein change: p.Thr1838Lys; replaces threonine 1838 with lysine.
Molecular consequence: missense variant.
Genome position (GRCh38, 1-based): chr11:6,627,526, G>T on the plus strand (C>A on the coding strand, the complement: DCHS1 is on the minus strand). VCF-style: chr11-6627526-G-T. GRCh37 (hg19) VCF-style: chr11-6648757-G-T.
Other names: short protein forms T1838K.
Identifiers: ClinVar variation 1309722 (VCV001309722.2), dbSNP rs777338855, ClinGen allele CA5860076.
Genomic context (GRCh38, chr11:6,627,526, plus strand): 5'-GGCACAGGAAAGGCTGGAGCATGGTCATTGGCATCCAGCACTGTCACTGTCAAAAGCAGC[G>T]TGGCACTGAGAGCTGGCTGGCCTCCATCCCGGGCCTCTATCCTCAGCTGGAAAGCTGGCT-3'
Protein context (NP_003728.1, residues 1828-1848): RDGGQPALSA[Thr1838Lys]LLLTVTVLDA